The following is an entry in ClinVar:

ClinVar aggregate classification (germline): Uncertain significance. Review status: criteria provided, single submitter (1 of 4 stars). 2 submissions from 2 submitters: Uncertain significance (1). 1 of the submissions does not count toward it. Last evaluated 2019-09-19.

Conditions:
Alpha thalassemia-X-linked intellectual disability syndrome (ATRX). Also called: ALPHA-THALASSEMIA/MENTAL RETARDATION SYNDROME, X-LINKED; ATR, NONDELETION TYPE; ATR-X syndrome; Alpha thalassemia mental retardation syndrome, nondeletion type, X-linked; XLMR hypotonic face syndrome; X-linked alpha-thalassemia-mental retardation syndrome. Identifiers: Orphanet 847, MedGen C1845055, MONDO:0010519, OMIM 301040.

Submissions (2):

Labcorp Genetics (formerly Invitae), Labcorp
Classification: Uncertain significance for Alpha thalassemia-X-linked intellectual disability syndrome. Last evaluated: 2019-09-19. Review status: criteria provided, single submitter. Criteria: Invitae Variant Classification Sherloc (09022015). Collection method: clinical testing. Allele origin: germline.
Comment: This sequence change falls in intron 3 of the ATRX gene. It does not directly change the encoded amino acid sequence of the ATRX protein, but it affects a nucleotide within the consensus splice site of the intron. This variant is not present in population databases (ExAC no frequency). This variant has not been reported in the literature in individuals with ATRX-related conditions. Nucleotide substitutions within the consensus splice site are a relatively common cause of aberrant splicing (PMID: 17576681, 9536098). Algorithms developed to predict the effect of sequence changes on RNA splicing suggest that this variant may disrupt the consensus splice site, but this prediction has not been confirmed by published transcriptional studies. In summary, the available evidence is currently insufficient to determine the role of this variant in disease. Therefore, it has been classified as a Variant of Uncertain Significance.

Natera, Inc.
Classification: Uncertain significance for X-linked alpha-thalassemia-mental retardation syndrome. Last evaluated: 2020-02-21. Review status: no assertion criteria provided. Collection method: clinical testing. Allele origin: germline. Not counted in ClinVar's aggregate classification.

Literature cited by the submitters: PubMed 17576681 (cited by Labcorp Genetics (formerly Invitae), Labcorp); PubMed 9536098 (cited by Labcorp Genetics (formerly Invitae), Labcorp).

NM_000489.6(ATRX):c.189+5G>A

Gene: ATRX (ATRX chromatin remodeler; minus strand). Cytogenetic location: Xq21.1.
Variant type: single nucleotide variant.
Coding change: c.189+5G>A on transcript NM_000489.6 (MANE Select); 5 bases into the intron after coding-DNA position 189, G replaced by A.
Molecular consequence: intron variant.
Genome position (GRCh38, 1-based): chrX:77,698,569, C>T on the plus strand (G>A on the coding strand, the complement: ATRX is on the minus strand). VCF-style: chrX-77698569-C-T. GRCh37 (hg19) VCF-style: chrX-76954057-C-T.
Other names: c.189+5G>A (NM_138270.5).
Identifiers: ClinVar variation 964457 (VCV000964457.7), dbSNP rs2072317981, ClinGen allele CA1139667671.
Genomic context (GRCh38, chrX:77,698,569, plus strand): 5'-TCTAAAGACATATGCTCTACTTGGTTAATCGTAACTAACAAATATCTCTAAATAATTATC[C>T]TTACCTCTTCCTTGCTGTTTTCCATCATATCAGAGTTACTTCCAGAACCACTGATTTTAT-3'